The following is an entry in ClinVar:

ClinVar aggregate classification (germline): Uncertain significance. Review status: criteria provided, multiple submitters, no conflicts (2 of 4 stars). 3 submissions from 3 submitters: Uncertain significance (3). Last evaluated 2025-11-25.

Conditions:
Hereditary cancer-predisposing syndrome. Also called: Hereditary neoplastic syndrome; Neoplastic Syndromes, Hereditary; Tumor predisposition; Hereditary Cancer Syndrome. Identifiers: Orphanet 140162, MedGen C0027672, MeSH D009386, MONDO:0015356.
Renal cell carcinoma. Identifiers: Orphanet 217071, MedGen C0007134, MeSH D002292, MONDO:0005086, HP:0005584.

Submissions (3):

Ambry Genetics
Classification: Uncertain significance for Hereditary cancer-predisposing syndrome. Last evaluated: 2025-11-25. Review status: criteria provided, single submitter. Criteria: Ambry Variant Classification Scheme 2023. Collection method: clinical testing. Allele origin: germline.
Comment: The p.H289P variant (also known as c.866A>C), located in coding exon 1 of the MET gene, results from an A to C substitution at nucleotide position 866. The histidine at codon 289 is replaced by proline, an amino acid with similar properties. This amino acid position is conserved. In addition, this alteration is predicted to be tolerated by in silico analysis. Based on the available evidence, the clinical significance of this variant remains unclear.

Labcorp Genetics (formerly Invitae), Labcorp
Classification: Uncertain significance for Renal cell carcinoma. Last evaluated: 2024-03-06. Review status: criteria provided, single submitter. Criteria: Invitae Variant Classification Sherloc (09022015). Collection method: clinical testing. Allele origin: germline.
Comment: This sequence change replaces histidine, which is basic and polar, with proline, which is neutral and non-polar, at codon 289 of the MET protein (p.His289Pro). This variant is not present in population databases (gnomAD no frequency). This variant has not been reported in the literature in individuals affected with MET-related conditions. ClinVar contains an entry for this variant (Variation ID: 1320822). Advanced modeling of protein sequence and biophysical properties (such as structural, functional, and spatial information, amino acid conservation, physicochemical variation, residue mobility, and thermodynamic stability) has been performed at Invitae for this missense variant, however the output from this modeling did not meet the statistical confidence thresholds required to predict the impact of this variant on MET protein function. In summary, the available evidence is currently insufficient to determine the role of this variant in disease. Therefore, it has been classified as a Variant of Uncertain Significance.

GeneDx
Classification: Uncertain significance. Last evaluated: 2021-01-19. Review status: criteria provided, single submitter. Criteria: GeneDx Variant Classification Process June 2021. Collection method: clinical testing. Allele origin: germline. Affected: yes.
Comment: Not observed in large population cohorts (Lek et al., 2016); In silico analysis supports that this missense variant does not alter protein structure/function; Has not been previously published as pathogenic or benign to our knowledge

NM_000245.4(MET):c.866A>C (p.His289Pro)

Gene: MET (MET proto-oncogene, receptor tyrosine kinase; plus strand). Cytogenetic location: 7q31.2.
Variant type: single nucleotide variant.
Coding change: c.866A>C on transcript NM_000245.4 (MANE Select); coding-DNA position 866, A replaced by C.
Protein change: p.His289Pro; replaces histidine 289 with proline.
Molecular consequence: missense variant. On other transcripts: intron variant (1).
Genome position (GRCh38, 1-based): chr7:116,699,950, A>C. VCF-style: chr7-116699950-A-C. GRCh37 (hg19) VCF-style: chr7-116340004-A-C.
Other names: c.866A>C, p.His289Pro (NM_001127500.3, NM_001324401.3); c.-91+27373A>C (NM_001324402.2); short protein forms H289P.
Identifiers: ClinVar variation 1320822 (VCV001320822.7), dbSNP rs1584877845, ClinGen allele CA368970022.